The following is an entry in ClinVar:

NM_018719.5(CDCA7L):c.*1144C>T

Genes: CDCA7L (cell division cycle associated 7 like; minus strand), DNAH11 (dynein axonemal heavy chain 11; plus strand). Cytogenetic location: 7p15.3.
Variant type: single nucleotide variant.
Coding change: c.*1144C>T on transcript NM_018719.5 (MANE Select); 1144 bases downstream of the stop codon, C replaced by T.
Molecular consequence: 3 prime UTR variant. On other transcripts: nonsense (1).
Genome position (GRCh38, 1-based): chr7:21,901,178, G>A on the plus strand (C>T on the coding strand, the complement: CDCA7L is on the minus strand). VCF-style: chr7-21901178-G-A. GRCh37 (hg19) VCF-style: chr7-21940796-G-A.
Other names: NM_001127371.3:c.*1144C>T; c.*1144C>T (NM_001127370.3, NM_001127371.3); c.13475G>A, p.Trp4492Ter (NM_001277115.2); short protein forms W4492*.
Identifiers: ClinVar variation 3776954 (VCV003776954.1).

ClinVar aggregate classification (germline): Uncertain significance (1 of 4 stars; one submission).

Conditions:
Primary ciliary dyskinesia 7. Also called: CILIARY DYSKINESIA, PRIMARY, 7, WITH OR WITHOUT SITUS INVERSUS. Identifiers: Orphanet 244, MedGen C2678473, MONDO:0012748, OMIM 611884.

gnomAD v4.1: 2 of 1,613,766 alleles (0.00012%); highest among the groups gnomAD compares: Non-Finnish European, 0.00017%; no homozygotes.

Submission:

Broad Center for Mendelian Genomics, Broad Institute of MIT and Harvard
Classification: Uncertain significance for Primary ciliary dyskinesia 7. Last evaluated: 2025-02-20. Review status: criteria provided, single submitter. Criteria: ACMG Guidelines, 2015. Collection method: curation. Allele origin: germline. Inheritance: Autosomal recessive inheritance.
Comment: The p.Trp4492Ter variant in DNAH11 has been reported, in the compound heterozygous state, in 1 individual with primary ciliary dyskinesia (PMID: 31772028), and has been identified in 0.0002% (2/1179856) of European (non-Finnish) chromosomes by the Genome Aggregation Database (gnomAD; dbSNP rs1220464771). Although this variant has been seen in the general population in a heterozygous state, its frequency is low enough to be consistent with a recessive carrier frequency. This nonsense variant leads to a premature termination codon at position 4492. This alteration occurs within the last exon and is more likely to escape nonsense mediated decay (NMD) and result in a truncated protein. Loss of function of the DNAH11 gene is an established disease mechanism in autosomal recessive primary ciliary dyskinesia. In summary, the clinical significance of the p.Trp4492Ter variant is uncertain. ACMG/AMP Criteria applied: PVS1_moderate, PM2_supporting, PM3_supporting (Richards 2015).